The following is an entry in ClinVar:

ClinVar aggregate classification (germline): Likely benign. Review status: criteria provided, multiple submitters, no conflicts (2 of 4 stars). 7 submissions from 7 submitters: Likely benign (5). 2 of the submissions do not count toward it. Last evaluated 2026-02-02.

Allele frequency attached by ClinVar (database versions not stated): 1000 Genomes Project 0.00160; 1000 Genomes Project 30x 0.00203; TOPMed 0.00440; gnomAD 0.00461 and 0.00473; ESP Exome Variant Server 0.00477; gnomAD exomes 0.00509 and 0.00744; ExAC 0.00521.
gnomAD v4.1: 11,593 of 1,614,226 alleles (0.72%); highest among the groups gnomAD compares: Non-Finnish European, 0.86%; 53 homozygotes.

Submissions (7):

Labcorp Genetics (formerly Invitae), Labcorp
Classification: Likely benign. Last evaluated: 2026-02-02. Review status: criteria provided, single submitter. Criteria: Invitae Variant Classification Sherloc (09022015). Collection method: clinical testing. Allele origin: germline.

CeGaT Center for Human Genetics Tuebingen
Classification: Likely benign. Last evaluated: 2023-03-01. Review status: criteria provided, single submitter. Criteria: CeGaT Center For Human Genetics Tuebingen Variant Classification Criteria Version 2. Collection method: clinical testing. Allele origin: germline. Affected: yes. Observed: 1 variant allele.
Comment: LRIT3: BP4, BS2

Center for Pediatric Genomic Medicine, Children's Mercy Hospital and Clinics
Classification: Likely benign. Last evaluated: 2017-06-15. Review status: criteria provided, single submitter. Criteria: ACMG Guidelines, 2015. Collection method: clinical testing. Allele origin: germline.

Eurofins Ntd Llc (ga)
Classification: Likely benign. Last evaluated: 2015-01-30. Review status: criteria provided, single submitter. Criteria: EGL Classification Definitions 2015. Collection method: clinical testing. Allele origin: germline. Observed: 1 variant allele, 1 heterozygote.

Breakthrough Genomics
Classification: Likely benign. Review status: criteria provided, single submitter. Criteria: ACMG Guidelines, 2015. Collection method: not provided. Allele origin: germline. Inheritance: Autosomal recessive inheritance. Affected: yes.

Clinical Genetics DNA and cytogenetics Diagnostics Lab, Erasmus MC, Erasmus Medical Center
Classification: Likely benign. Review status: no assertion criteria provided. Collection method: clinical testing. Allele origin: germline. Affected: yes. Study: VKGL Data-share Consensus. Not counted in ClinVar's aggregate classification.

Clinical Genetics, Academic Medical Center
Classification: Benign. Review status: no assertion criteria provided. Collection method: clinical testing. Allele origin: germline. Affected: yes. Study: VKGL Data-share Consensus. Not counted in ClinVar's aggregate classification.

NM_198506.5(LRIT3):c.1621A>G (p.Ile541Val)

Gene: LRIT3 (leucine rich repeat, Ig-like and transmembrane domains 3; plus strand). Cytogenetic location: 4q25.
Variant type: single nucleotide variant.
Coding change: c.1621A>G on transcript NM_198506.5 (MANE Select); coding-DNA position 1621, A replaced by G.
Protein change: p.Ile541Val; replaces isoleucine 541 with valine.
Molecular consequence: missense variant.
Genome position (GRCh38, 1-based): chr4:109,870,370, A>G. VCF-style: chr4-109870370-A-G. GRCh37 (hg19) VCF-style: chr4-110791526-A-G.
Other names: short protein forms I541V.
Identifiers: ClinVar variation 197396 (VCV000197396.43), dbSNP rs35997283, ClinGen allele CA202857.